The following is an entry in ClinVar:

ClinVar aggregate classification (germline): Uncertain significance (1 of 4 stars; one submission).

Conditions:
LAMA2-related muscular dystrophy (LAMA2-RD). Also called: Laminin alpha 2-related dystrophy. Identifiers: MedGen C5679788, MONDO:0100228.

Allele frequency attached by ClinVar (database versions not stated): gnomAD exomes below 0.00001.
gnomAD v4.1: 1 of 1,614,190 alleles (0.000062%); highest among the groups gnomAD compares: Non-Finnish European, 0.000085%; no homozygotes.

Submission:

Labcorp Genetics (formerly Invitae), Labcorp
Classification: Uncertain significance for LAMA2-related muscular dystrophy. Last evaluated: 2022-08-23. Review status: criteria provided, single submitter. Criteria: Invitae Variant Classification Sherloc (09022015). Collection method: clinical testing. Allele origin: germline.
Comment: In summary, the available evidence is currently insufficient to determine the role of this variant in disease. Therefore, it has been classified as a Variant of Uncertain Significance. Advanced modeling of protein sequence and biophysical properties (such as structural, functional, and spatial information, amino acid conservation, physicochemical variation, residue mobility, and thermodynamic stability) performed at Invitae indicates that this missense variant is not expected to disrupt LAMA2 protein function. This variant has not been reported in the literature in individuals affected with LAMA2-related conditions. This variant is not present in population databases (gnomAD no frequency). This sequence change replaces aspartic acid, which is acidic and polar, with valine, which is neutral and non-polar, at codon 1227 of the LAMA2 protein (p.Asp1227Val).

NM_000426.4(LAMA2):c.3680A>T (p.Asp1227Val)

Gene: LAMA2 (laminin subunit alpha 2; plus strand). Cytogenetic location: 6q22.33.
Variant type: single nucleotide variant.
Coding change: c.3680A>T on transcript NM_000426.4 (MANE Select); coding-DNA position 3680, A replaced by T.
Protein change: p.Asp1227Val; replaces aspartic acid 1227 with valine.
Molecular consequence: missense variant.
Genome position (GRCh38, 1-based): chr6:129,315,600, A>T. VCF-style: chr6-129315600-A-T. GRCh37 (hg19) VCF-style: chr6-129636745-A-T.
Other names: c.3680A>T, p.Asp1227Val (NM_001079823.2); short protein forms D1227V.
Identifiers: ClinVar variation 2008956 (VCV002008956.4), dbSNP rs2482415367, ClinGen allele CA365613002.